The following is an entry in ClinVar:

NM_019844.4(SLCO1B3):c.1154C>T (p.Thr385Met)

Genes: SLCO1B3 (solute carrier organic anion transporter family member 1B3; plus strand), SLCO1B3-SLCO1B7 (SLCO1B3-SLCO1B7 readthrough; plus strand). Cytogenetic location: 12p12.2.
Variant type: single nucleotide variant.
Coding change: c.1154C>T on transcript NM_019844.4 (MANE Select); coding-DNA position 1154, C replaced by T.
Protein change: p.Thr385Met; replaces threonine 385 with methionine.
Molecular consequence: missense variant.
Genome position (GRCh38, 1-based): chr12:20,879,454, C>T. VCF-style: chr12-20879454-C-T. GRCh37 (hg19) VCF-style: chr12-21032388-C-T.
Other names: c.1154C>T, p.Thr385Met (NM_001371097.1); c.1070C>T, p.Thr357Met (NM_001349920.2); short protein forms T357M, T385M.
Identifiers: ClinVar variation 3357272 (VCV003357272.1).

ClinVar aggregate classification (germline): Uncertain significance (0 of 4 stars; one submission).

Conditions:
SLCO1B3-related disorder. Also called: SLCO1B3-related condition.

gnomAD v4.1: 61 of 1,603,308 alleles (0.0038%); highest among the groups gnomAD compares: African/African-American, 0.0067%; no homozygotes.

Submission:

PreventionGenetics, part of Exact Sciences
Classification: Uncertain significance for SLCO1B3-related condition. Last evaluated: 2024-09-02. Review status: no assertion criteria provided. Collection method: clinical testing. Allele origin: germline.
Comment: The SLCO1B3 c.1154C>T variant is predicted to result in the amino acid substitution p.Thr385Met. To our knowledge, this variant has not been reported in the literature. This variant is reported in 0.0062% of alleles in individuals of African descent in gnomAD. At this time, the clinical significance of this variant is uncertain due to the absence of conclusive functional and genetic evidence.